The following is an entry in ClinVar:

ClinVar aggregate classification (germline): Uncertain significance (1 of 4 stars; one submission).

Conditions:
Pulmonary fibrosis and/or bone marrow failure, Telomere-related, 4. Also called: PULMONARY FIBROSIS AND/OR BONE MARROW FAILURE SYNDROME, TELOMERE-RELATED, 4. Identifiers: Orphanet 2032, MedGen C4225347, MONDO:0014612, OMIM 616371.
Dyskeratosis congenita, autosomal recessive 6 (DKCB6). Identifiers: MedGen C4225356, MONDO:0014600, OMIM 616353.

gnomAD v4.1: 1 of 1,600,950 alleles (0.000062%); highest among the groups gnomAD compares: South Asian, 0.0011%; no homozygotes.

Submission:

Labcorp Genetics (formerly Invitae), Labcorp
Classification: Uncertain significance for Dyskeratosis congenita, autosomal recessive 6; Pulmonary fibrosis and/or bone marrow failure, Telomere-related, 4. Last evaluated: 2025-10-06. Review status: criteria provided, single submitter. Criteria: Invitae Variant Classification Sherloc (09022015). Collection method: clinical testing. Allele origin: germline.
Comment: This sequence change replaces threonine, which is neutral and polar, with alanine, which is neutral and non-polar, at codon 638 of the PARN protein (p.Thr638Ala). This variant is not present in population databases (gnomAD no frequency). This variant has not been reported in the literature in individuals affected with PARN-related conditions. An algorithm developed to predict the effect of missense changes on protein structure and function (PolyPhen-2) suggests that this variant is likely to be tolerated. In summary, the available evidence is currently insufficient to determine the role of this variant in disease. Therefore, it has been classified as a Variant of Uncertain Significance.

NM_002582.4(PARN):c.1912A>G (p.Thr638Ala)

Gene: PARN (poly(A)-specific ribonuclease; minus strand). Cytogenetic location: 16p13.12.
Variant type: single nucleotide variant.
Coding change: c.1912A>G on transcript NM_002582.4 (MANE Select); coding-DNA position 1912, A replaced by G.
Protein change: p.Thr638Ala; replaces threonine 638 with alanine.
Molecular consequence: missense variant.
Genome position (GRCh38, 1-based): chr16:14,436,725, T>C on the plus strand (A>G on the coding strand, the complement: PARN is on the minus strand). VCF-style: chr16-14436725-T-C. GRCh37 (hg19) VCF-style: chr16-14530582-T-C.
Other names: c.1729A>G, p.Thr577Ala (NM_001134477.3); c.1774A>G, p.Thr592Ala (NM_001242992.2); short protein forms T577A, T638A, T592A.
Identifiers: ClinVar variation 4788770 (VCV004788770.1).
Genomic context (GRCh38, chr16:14,436,725, plus strand): 5'-CGGCTCTTGCTCACAGCGACAGCACCAGCGGTTTGCTGCCCTCAGGTCTTGGTTACCATG[T>C]GTCAGGAACTTCAAAGAGTGTGGCAGGGCTGTTCTTCGAGATGCTTCCTGGTGGGAAAGA-3'
Protein context (NP_002573.1, residues 628-639): SPATLFEVPD[Thr638Ala]W